The following is an entry in ClinVar:

ClinVar aggregate classification (germline): Uncertain significance. Review status: criteria provided, multiple submitters, no conflicts (2 of 4 stars). 2 submissions from 2 submitters: Uncertain significance (2). Last evaluated 2020-03-26.

Conditions:
Cardiovascular phenotype. Identifiers: MedGen CN230736.

Allele frequency attached by ClinVar (database versions not stated): gnomAD exomes below 0.00001.
gnomAD v4.1: 5 of 1,518,554 alleles (0.00033%); highest among the groups gnomAD compares: Non-Finnish European, 0.00035%; no homozygotes.

Submissions (2):

Ambry Genetics
Classification: Uncertain significance for Cardiovascular phenotype. Last evaluated: 2020-03-26. Review status: criteria provided, single submitter. Criteria: Ambry Variant Classification Scheme 2023. Collection method: clinical testing. Allele origin: germline.
Comment: The p.K15171I variant (also known as c.45512A>T), located in coding exon 153 of the TTN gene, results from an A to T substitution at nucleotide position 45512. The lysine at codon 15171 is replaced by isoleucine, an amino acid with dissimilar properties. This amino acid position is well conserved in available vertebrate species. In addition, the in silico prediction for this alteration is inconclusive. Since supporting evidence is limited at this time, the clinical significance of this alteration remains unclear.

Revvity Omics, Revvity
Classification: Uncertain significance. Last evaluated: 2020-03-05. Review status: criteria provided, single submitter. Criteria: ACMG Guidelines, 2015. Collection method: clinical testing. Allele origin: germline.

NM_001267550.2(TTN):c.72707A>T (p.Lys24236Ile)

Genes: TTN (titin; minus strand), TTN-AS1 (TTN antisense RNA 1; plus strand). Cytogenetic location: 2q31.2.
Variant type: single nucleotide variant.
Coding change: c.72707A>T on transcript NM_001267550.2 (MANE Select); coding-DNA position 72707, A replaced by T.
Protein change: p.Lys24236Ile; replaces lysine 24236 with isoleucine.
Molecular consequence: missense variant.
Genome position (GRCh38, 1-based): chr2:178,573,425, T>A on the plus strand (A>T on the coding strand, the complement: TTN is on the minus strand). VCF-style: chr2-178573425-T-A. GRCh37 (hg19) VCF-style: chr2-179438152-T-A.
Other names: c.67784A>T, p.Lys22595Ile (NM_001256850.1); c.45512A>T, p.Lys15171Ile (NM_003319.4); c.65003A>T, p.Lys21668Ile (NM_133378.4); c.45887A>T, p.Lys15296Ile (NM_133432.3); c.46088A>T, p.Lys15363Ile (NM_133437.4); short protein forms K15363I, K15171I, K21668I, K22595I, K24236I, K15296I.
Identifiers: ClinVar variation 1741442 (VCV001741442.5), dbSNP rs2468584676, ClinGen allele CA349645949.